The following is an entry in ClinVar:

NM_001281775.3(ZMYND8):c.928T>C (p.Phe310Leu)

Gene: ZMYND8 (zinc finger MYND-type containing 8; minus strand). Cytogenetic location: 20q13.12.
Variant type: single nucleotide variant.
Coding change: c.928T>C on transcript NM_001281775.3 (MANE Select); coding-DNA position 928, T replaced by C.
Protein change: p.Phe310Leu; replaces phenylalanine 310 with leucine.
Molecular consequence: missense variant.
Genome position (GRCh38, 1-based): chr20:47,282,172, A>G on the plus strand (T>C on the coding strand, the complement: ZMYND8 is on the minus strand). VCF-style: chr20-47282172-A-G. GRCh37 (hg19) VCF-style: chr20-45910916-A-G.
Other names: c.853T>C, p.Phe285Leu (NM_001281771.3, NM_001281777.3, NM_001281778.3 and 4 more transcripts); c.868T>C, p.Phe290Leu (NM_001281772.3, NM_001281773.3, NM_001281774.3 and 1 more transcripts); c.928T>C, p.Phe310Leu (NM_001281776.3, NM_001281783.3, NM_012408.6 and 1 more transcripts); c.124T>C, p.Phe42Leu (NM_001281779.3, NM_001281780.3); c.949T>C, p.Phe317Leu (NM_001363714.1); short protein forms F285L, F290L, F310L, F317L, F42L.
Identifiers: ClinVar variation 4075701 (VCV004075701.1).

ClinVar aggregate classification (germline): Uncertain significance (1 of 4 stars; one submission).

Submission:

GeneDx
Classification: Uncertain significance. Last evaluated: 2025-02-13. Review status: criteria provided, single submitter. Criteria: GeneDx Variant Classification Process June 2021. Collection method: clinical testing. Allele origin: germline. Affected: yes.
Comment: Not observed at significant frequency in large population cohorts (gnomAD); In silico analysis supports that this missense variant has a deleterious effect on protein structure/function; Has not been previously published as pathogenic or benign to our knowledge